The following is an entry in ClinVar:

NM_000254.3(MTR):c.2474-20_2474-18del

Gene: MTR (5-methyltetrahydrofolate-homocysteine methyltransferase; plus strand). Cytogenetic location: 1q43.
Variant type: Deletion.
Coding change: c.2474-20_2474-18del on transcript NM_000254.3 (MANE Select); 20 bases into the intron before coding-DNA position 2474 through 18 bases into the intron before coding-DNA position 2474, 3 bases deleted (TTT; older notation c.2474-20_2474-18delTTT).
Molecular consequence: intron variant.
Genome position (GRCh38, 1-based): chr1:236,874,706-236,874,708, TTT deleted; deleting any 3 consecutive bases within chr1:236,874,699-236,874,708 gives the same sequence; the c. name uses the placement nearest the transcript's 3' end. VCF-style (leftmost placement, unchanged base first): chr1-236874698-CTTT-C. GRCh37 (hg19) VCF-style: chr1-237037998-CTTT-C.
Other names: p.?; c.2321-20_2321-18del (NM_001291939.1); c.1253-20_1253-18del (NM_001291940.2); c.2474-20_2474-18del (NM_000254.2).
Identifiers: ClinVar variation 1300987 (VCV001300987.3), dbSNP rs150727404, ClinGen allele CA1474408.

ClinVar aggregate classification (germline): Benign/Likely benign. Review status: criteria provided, multiple submitters, no conflicts (2 of 4 stars). 2 submissions from 2 submitters: Benign (1); Likely benign (1). Last evaluated 2024-04-10.

Submissions (2):

Mayo Clinic Laboratories, Mayo Clinic
Classification: Benign. Last evaluated: 2024-04-10. Review status: criteria provided, single submitter. Criteria: ACMG Guidelines, 2015. Collection method: clinical testing. Allele origin: germline. Observed: 4 variant alleles.
Comment: BA1, BP4, BP7

GeneDx
Classification: Likely benign. Last evaluated: 2021-03-26. Review status: criteria provided, single submitter. Criteria: GeneDx Variant Classification Process June 2021. Collection method: clinical testing. Allele origin: germline. Affected: yes.